The following is an entry in ClinVar:

NM_001080.3(ALDH5A1):c.1479C>T (p.Asn493=)

Gene: ALDH5A1 (aldehyde dehydrogenase 5 family member A1; plus strand). Cytogenetic location: 6p22.3.
Variant type: single nucleotide variant.
Coding change: c.1479C>T on transcript NM_001080.3 (MANE Select); coding-DNA position 1479, C replaced by T.
Protein change: p.Asn493=; no amino-acid change (asparagine 493 retained).
Molecular consequence: synonymous variant.
Genome position (GRCh38, 1-based): chr6:24,533,583, C>T. VCF-style: chr6-24533583-C-T. GRCh37 (hg19) VCF-style: chr6-24533811-C-T.
Other names: p.Asn493=; c.1335C>T, p.Asn445= (NM_001368954.1); c.1518C>T, p.Asn506= (NM_170740.1).
Identifiers: ClinVar variation 284596 (VCV000284596.23), dbSNP rs200661931, ClinGen allele CA3656959.

ClinVar aggregate classification (germline): Benign. Review status: criteria provided, multiple submitters, no conflicts (2 of 4 stars). 5 submissions from 5 submitters: Benign (5). Last evaluated 2026-01-28.

Conditions:
Succinate-semialdehyde dehydrogenase deficiency (SSADHD). Also called: Succinic Semialdehyde Dehydrogenase Deficiency; SSADH DEFICIENCY; 4-HYDROXYBUTYRIC ACIDURIA; GABA METABOLIC DEFECT. Identifiers: Orphanet 22, MedGen C0268631, MONDO:0010083, OMIM 271980.

Allele frequency attached by ClinVar (database versions not stated): gnomAD 0.00010 and 0.00067; TOPMed 0.00020; gnomAD exomes 0.00102 and 0.00193; ExAC 0.00202; ESP Exome Variant Server 0.00008; 1000 Genomes Project 0.00240; 1000 Genomes Project 30x 0.00297.
gnomAD v4.1: 1,621 of 1,614,134 alleles (0.1%); highest among the groups gnomAD compares: South Asian, 1.5%; 17 homozygotes.

Submissions (5):

Labcorp Genetics (formerly Invitae), Labcorp
Classification: Benign for Succinate-semialdehyde dehydrogenase deficiency. Last evaluated: 2026-01-28. Review status: criteria provided, single submitter. Criteria: Invitae Variant Classification Sherloc (09022015). Collection method: clinical testing. Allele origin: germline.

Mayo Clinic Laboratories, Mayo Clinic
Classification: Benign. Last evaluated: 2025-05-12. Review status: criteria provided, single submitter. Criteria: ACMG Guidelines, 2015. Collection method: clinical testing. Allele origin: germline. Observed: 2 variant alleles.
Comment: BA1

GeneDx
Classification: Benign. Last evaluated: 2020-03-05. Review status: criteria provided, single submitter. Criteria: GeneDx Variant Classification Process June 2021. Collection method: clinical testing. Allele origin: germline. Affected: yes.

Illumina Laboratory Services, Illumina
Classification: Benign for Succinate-semialdehyde dehydrogenase deficiency. Last evaluated: 2018-01-12. Review status: criteria provided, single submitter. Criteria: ICSL Variant Classification Criteria 13 December 2019. Collection method: clinical testing. Allele origin: germline.
Comment: This variant was observed in the ICSL laboratory as part of a predisposition screen in an ostensibly healthy population. It had not been previously curated by ICSL or reported in the Human Gene Mutation Database (HGMD: prior to June 1st, 2018), and was therefore a candidate for classification through an automated scoring system. Utilizing variant allele frequency, disease prevalence and penetrance estimates, and inheritance mode, an automated score was calculated to assess if this variant is too frequent to cause the disease. Based on the score and internal cut-off values, a variant classified as benign is not then subjected to further curation. The score for this variant resulted in a classification of benign for this disease.

Eurofins Ntd Llc (ga)
Classification: Benign. Last evaluated: 2015-11-19. Review status: criteria provided, single submitter. Criteria: EGL Classification Definitions 2015. Collection method: clinical testing. Allele origin: germline. Observed: 1 variant allele, 1 heterozygote.